The following is an entry in ClinVar:

ClinVar aggregate classification (germline): not provided (0 of 4 stars; one submission).

Allele frequency attached by ClinVar (database versions not stated): gnomAD 0.00001.
gnomAD v4.1: 1 of 152,446 alleles (0.00066%); highest among the groups gnomAD compares: African/African-American, 0.0024%; no homozygotes.

Submission:

Human Evolutionary Genetics, Institut Pasteur
No classification provided. Review status: no classification provided. Collection method: not provided. Allele origin: germline.
ClinVar note: Converted during submission from untested to not provided.

NC_000011.10:g.119168682T>C

Gene: NLRX1 (NLR family member X1; plus strand). Cytogenetic location: 11q23.3.
Variant type: single nucleotide variant.
Molecular consequence: intron variant (on NM_001282358.2).
Genome position: GRCh38 VCF-style: chr11-119168682-T-C. GRCh37 (hg19) VCF-style: chr11-119039391-T-C.
Other names: c.-49+235T>C (NM_001282358.2).
Identifiers: ClinVar variation 102949 (VCV000102949.3), dbSNP rs199476031, ClinGen allele CA229912.